The following is an entry in ClinVar:

ClinVar aggregate classification (germline): Benign/Likely benign. Review status: criteria provided, multiple submitters, no conflicts (2 of 4 stars). 3 submissions from 3 submitters: Benign (1); Likely benign (2). Last evaluated 2024-12-20.

Conditions:
Lynch syndrome 5 (LYNCH5). Also called: Hereditary non-polyposis colorectal cancer, type 5; Colorectal cancer, hereditary nonpolyposis, type 5. Identifiers: Orphanet 144, MedGen C1833477, MONDO:0013710, OMIM 614350. Disease mechanism: loss of function.
Hereditary nonpolyposis colorectal neoplasms. Identifiers: MedGen C0009405, MeSH D003123.
Hereditary cancer-predisposing syndrome. Also called: Hereditary neoplastic syndrome; Hereditary Cancer Syndrome; Neoplastic Syndromes, Hereditary; Tumor predisposition. Identifiers: Orphanet 140162, MedGen C0027672, MeSH D009386, MONDO:0015356.

Allele frequency attached by ClinVar (database versions not stated): gnomAD exomes below 0.00001; ExAC 0.00001.

Submissions (3):

Myriad Genetics, Inc.
Classification: Benign for Lynch syndrome 5. Last evaluated: 2024-12-20. Review status: criteria provided, single submitter. Criteria: Myriad Autosomal Dominant, Autosomal Recessive and X-Linked Classification Criteria (2023). Collection method: clinical testing. Allele origin: unknown.
Comment: This variant is considered benign. This variant is a silent/synonymous amino acid change and it is not expected to impact splicing.

Labcorp Genetics (formerly Invitae), Labcorp
Classification: Likely benign for Hereditary nonpolyposis colorectal neoplasms. Last evaluated: 2024-04-17. Review status: criteria provided, single submitter. Criteria: Invitae Variant Classification Sherloc (09022015). Collection method: clinical testing. Allele origin: germline.

Ambry Genetics
Classification: Likely benign for Hereditary cancer-predisposing syndrome. Last evaluated: 2020-02-01. Review status: criteria provided, single submitter. Criteria: Ambry Variant Classification Scheme 2023. Collection method: clinical testing. Allele origin: germline.

NM_000179.3(MSH6):c.945T>C (p.Ser315=)

Gene: MSH6 (mutS homolog 6; plus strand). Cytogenetic location: 2p16.3.
Variant type: single nucleotide variant.
Coding change: c.945T>C on transcript NM_000179.3 (MANE Select); coding-DNA position 945, T replaced by C.
Protein change: p.Ser315=; no amino-acid change (serine 315 retained).
Molecular consequence: synonymous variant.
Genome position (GRCh38, 1-based): chr2:47,798,928, T>C. VCF-style: chr2-47798928-T-C. GRCh37 (hg19) VCF-style: chr2-48026067-T-C.
Other names: c.555T>C, p.Ser185= (NM_001281492.2); c.39T>C, p.Ser13= (NM_001281493.2, NM_001281494.2).
Identifiers: ClinVar variation 1116378 (VCV001116378.12), dbSNP rs761581941, ClinGen allele CA073611.
Genomic context (GRCh38, chr2:47,798,928, plus strand): 5'-AGTTGCTCGAAAGCGGAAGAGAATGGTGACTGGAAATGGCTCTCTTAAAAGGAAAAGCTC[T>C]AGGAAGGAAACGCCCTCAGCCACCAAACAAGCAACTAGCATTTCATCAGAAACCAAGAAT-3'
Protein context (NP_000170.1, residues 305-325): TGNGSLKRKS[Ser315=]RKETPSATKQ